The following is an entry in ClinVar:

NM_000214.3(JAG1):c.362T>A (p.Val121Glu)

Gene: JAG1 (jagged canonical Notch ligand 1; minus strand). Cytogenetic location: 20p12.2.
Variant type: single nucleotide variant.
Coding change: c.362T>A on transcript NM_000214.3 (MANE Select); coding-DNA position 362, T replaced by A.
Protein change: p.Val121Glu; replaces valine 121 with glutamic acid.
Molecular consequence: missense variant.
Genome position (GRCh38, 1-based): chr20:10,672,726, A>T on the plus strand (T>A on the coding strand, the complement: JAG1 is on the minus strand). VCF-style: chr20-10672726-A-T. GRCh37 (hg19) VCF-style: chr20-10653374-A-T.
Other names: short protein forms V121E.
Identifiers: ClinVar variation 3573276 (VCV003573276.2).

Conditions:
Arteriohepatic dysplasia. Also called: Alagille Syndrome. Identifiers: Orphanet 52, MedGen C0085280, MeSH D016738, MONDO:0007318.

Submission:

Gilbert/Spinner Lab, Children's Hospital of Philadelphia
No classification provided (evidence only). Condition: Alagille syndrome. Review status: no classification provided. Collection method: research. Allele origin: not applicable. Functional consequence: functionally_abnormal.
ClinVar note: "not provided" was previously submitted as the classification for the variant. However, the classification appeared to be based only on an observation of functional data so it was converted to no classification on 2025-07-30.